The following is an entry in ClinVar:

NM_024685.4(BBS10):c.1945dup (p.Thr649fs)

Gene: BBS10 (Bardet-Biedl syndrome 10; minus strand). Cytogenetic location: 12q21.2.
Variant type: Duplication.
Coding change: c.1945dup on transcript NM_024685.4 (MANE Select); coding-DNA position 1945, one base duplicated (A; older notation c.1945dupA).
Protein change: p.Thr649fs; shifts the reading frame from threonine 649.
Molecular consequence: frameshift variant.
Genome position (GRCh38, 1-based): chr12:76,346,040, T duplicated on the plus strand (A on the coding strand, the reverse complement: BBS10 is on the minus strand); the first of 4 consecutive T bases (chr12:76,346,040-76,346,043); duplicating any one gives the same sequence. VCF-style (leftmost placement, unchanged base first): chr12-76346039-G-GT. GRCh37 (hg19) VCF-style: chr12-76739819-G-GT.
Other names: short protein forms T649fs.
Identifiers: ClinVar variation 4081836 (VCV004081836.1).

ClinVar aggregate classification (germline): Pathogenic (1 of 4 stars; one submission).

Conditions:
Bardet-Biedl syndrome 10 (BBS10). Identifiers: Orphanet 110, MedGen C1859568, MONDO:0014438, OMIM 615987.

Submission:

Myriad Genetics, Inc.
Classification: Pathogenic for Bardet-Biedl syndrome 10. Last evaluated: 2025-05-30. Review status: criteria provided, single submitter. Criteria: Myriad Autosomal Dominant, Autosomal Recessive and X-Linked Classification Criteria (2023). Collection method: clinical testing. Allele origin: unknown.
Comment: NM_024685.3(BBS10):c.1945dupA(T649Nfs*36) is a frameshift variant classified as pathogenic in the context of Bardet-Biedl syndrome, BBS10-related. T649Nfs*36 has not been observed in cases with relevant disease. Relevant functional assessments of this variant are not available in the literature. T649Nfs*36 has not been observed in referenced population frequency databases. In summary, NM_024685.3(BBS10):c.1945dupA(T649Nfs*36) is a frameshift variant in a gene where loss of function is a known mechanism of disease and is predicted to disrupt protein function. Please note: this variant was assessed in the context of healthy population screening.